The following is an entry in ClinVar:

ClinVar aggregate classification (germline): Uncertain significance. Review status: criteria provided, multiple submitters, no conflicts (2 of 4 stars). 2 submissions from 2 submitters: Uncertain significance (2). Last evaluated 2025-05-13.

Conditions:
Cardiovascular phenotype. Identifiers: MedGen CN230736.
Hypertrophic cardiomyopathy. Also called: HYPERTROPHIC MYOCARDIOPATHY. Identifiers: Orphanet 217569, MedGen C0007194, MeSH D002312, MONDO:0005045, HP:0001639.

Submissions (2):

Labcorp Genetics (formerly Invitae), Labcorp
Classification: Uncertain significance for Hypertrophic cardiomyopathy. Last evaluated: 2025-05-13. Review status: criteria provided, single submitter. Criteria: Invitae Variant Classification Sherloc (09022015). Collection method: clinical testing. Allele origin: germline.
Comment: This sequence change replaces isoleucine, which is neutral and non-polar, with asparagine, which is neutral and polar, at codon 174 of the MYH7 protein (p.Ile174Asn). This variant is not present in population databases (gnomAD no frequency). This variant has not been reported in the literature in individuals affected with MYH7-related conditions. ClinVar contains an entry for this variant (Variation ID: 518631). Invitae Evidence Modeling of protein sequence and biophysical properties (such as structural, functional, and spatial information, amino acid conservation, physicochemical variation, residue mobility, and thermodynamic stability) indicates that this missense variant is expected to disrupt MYH7 protein function with a positive predictive value of 95%. In summary, the available evidence is currently insufficient to determine the role of this variant in disease. Therefore, it has been classified as a Variant of Uncertain Significance.

Ambry Genetics
Classification: Uncertain significance for Cardiovascular phenotype. Last evaluated: 2017-03-02. Review status: criteria provided, single submitter. Criteria: Ambry Variant Classification Scheme 2023. Collection method: clinical testing. Allele origin: germline.
Comment: The p.I174N variant (also known as c.521T>A), located in coding exon 4 of the MYH7 gene, results from a T to A substitution at nucleotide position 521. The isoleucine at codon 174 is replaced by asparagine, an amino acid with dissimilar properties. This amino acid position is highly conserved in available vertebrate species. In addition, this alteration is predicted to be deleterious by in silico analysis. Since supporting evidence is limited at this time, the clinical significance of this alteration remains unclear.

NM_000257.4(MYH7):c.521T>A (p.Ile174Asn)

Gene: MYH7 (myosin heavy chain 7; minus strand). Cytogenetic location: 14q11.2.
Variant type: single nucleotide variant.
Coding change: c.521T>A on transcript NM_000257.4 (MANE Select); coding-DNA position 521, T replaced by A.
Protein change: p.Ile174Asn; replaces isoleucine 174 with asparagine.
Molecular consequence: missense variant.
Genome position (GRCh38, 1-based): chr14:23,432,488, A>T on the plus strand (T>A on the coding strand, the complement: MYH7 is on the minus strand). VCF-style: chr14-23432488-A-T. GRCh37 (hg19) VCF-style: chr14-23901697-A-T.
Other names: c.521T>A (LRG_384t1); short protein forms I174N.
Identifiers: ClinVar variation 518631 (VCV000518631.6), dbSNP rs1555338750, ClinGen allele CA389052633.